The following is an entry in ClinVar:

ClinVar aggregate classification (germline): Benign/Likely benign. Review status: criteria provided, multiple submitters, no conflicts (2 of 4 stars). 7 submissions from 7 submitters: Benign (3); Likely benign (3). 1 of the submissions does not count toward it. Last evaluated 2026-06-02.

Conditions:
KIT-related disorder. Also called: KIT-related condition.
Hereditary cancer-predisposing syndrome. Also called: Neoplastic Syndromes, Hereditary; Hereditary Cancer Syndrome; Tumor predisposition; Hereditary neoplastic syndrome. Identifiers: Orphanet 140162, MedGen C0027672, MeSH D009386, MONDO:0015356.
Gastrointestinal stromal tumor. Also called: Gastrointestinal stroma tumor; Gastrointestinal stromal tumor, somatic. Identifiers: Orphanet 44890, MedGen C0238198, MeSH D046152, MONDO:0011719, OMIM 606764, HP:0100723.

Allele frequency attached by ClinVar (database versions not stated): gnomAD 0.00003; TOPMed 0.00005; ESP Exome Variant Server 0.00015; gnomAD exomes 0.00044; 1000 Genomes Project 30x 0.00047; ExAC 0.00054; 1000 Genomes Project 0.00060.

Submissions (7):

Myriad Genetics, Inc.
Classification: Benign for Gastrointestinal stromal tumor. Last evaluated: 2026-06-02. Review status: criteria provided, single submitter. Criteria: Myriad Autosomal Dominant, Autosomal Recessive and X-Linked Classification Criteria (2023). Collection method: clinical testing. Allele origin: unknown.
Comment: This variant is considered benign. This variant is a silent/synonymous amino acid change and it is not expected to impact splicing.

Labcorp Genetics (formerly Invitae), Labcorp
Classification: Benign for Gastrointestinal stromal tumor. Last evaluated: 2026-01-21. Review status: criteria provided, single submitter. Criteria: Invitae Variant Classification Sherloc (09022015). Collection method: clinical testing. Allele origin: germline.

Blueprint Genetics
Classification: Likely benign. Last evaluated: 2024-08-28. Review status: criteria provided, single submitter. Criteria: ACMG Guidelines, 2015. Collection method: clinical testing. Allele origin: germline.

KCCC/NGS Laboratory, Kuwait Cancer Control Center
Classification: Benign for Gastrointestinal stromal tumor. Last evaluated: 2023-07-07. Review status: criteria provided, single submitter. Criteria: ACMG Guidelines, 2015. Collection method: clinical testing. Allele origin: germline. Affected: yes.

GeneDx
Classification: Likely benign. Last evaluated: 2023-03-28. Review status: criteria provided, single submitter. Criteria: GeneDx Variant Classification Process June 2021. Collection method: clinical testing. Allele origin: germline. Affected: yes.
Comment: See Variant Classification Assertion Criteria.

Ambry Genetics
Classification: Likely benign for Hereditary cancer-predisposing syndrome. Last evaluated: 2019-09-23. Review status: criteria provided, single submitter. Criteria: Ambry Variant Classification Scheme 2023. Collection method: clinical testing. Allele origin: germline.

PreventionGenetics, part of Exact Sciences
Classification: Likely benign for KIT-related condition. Last evaluated: 2022-12-09. Review status: no assertion criteria provided. Collection method: clinical testing. Allele origin: germline. Not counted in ClinVar's aggregate classification.
Comment: This variant is classified as likely benign based on ACMG/AMP sequence variant interpretation guidelines (Richards et al. 2015 PMID: 25741868, with internal and published modifications).

NM_000222.3(KIT):c.735G>A (p.Thr245=)

Gene: KIT (KIT proto-oncogene, receptor tyrosine kinase; plus strand). Cytogenetic location: 4q12.
Variant type: single nucleotide variant.
Coding change: c.735G>A on transcript NM_000222.3 (MANE Select); coding-DNA position 735, G replaced by A.
Protein change: p.Thr245=; no amino-acid change (threonine 245 retained).
Molecular consequence: synonymous variant.
Genome position (GRCh38, 1-based): chr4:54,699,745, G>A. VCF-style: chr4-54699745-G-A. GRCh37 (hg19) VCF-style: chr4-55565911-G-A.
Other names: c.735G>A, p.Thr245= (NM_001093772.2, NM_001385284.1, NM_001385285.1 and 4 more transcripts).
Identifiers: ClinVar variation 237282 (VCV000237282.22), dbSNP rs150150449, ClinGen allele CA2923301.